The following is an entry in ClinVar:

ClinVar aggregate classification (germline): Pathogenic (1 of 4 stars; one submission).

Conditions:
GM1 gangliosidosis. Identifiers: Orphanet 354, MedGen C0085131, MONDO:0018149.
Mucopolysaccharidosis, MPS-IV-B (MPS4B). Also called: MORQUIO SYNDROME B; Mucopolysaccharidosis Type IVB (Morquio B Disease); Mucopolysaccharidosis type IV B; Mucopolysaccharidosis Type IVB; Mucopolysaccharidosis type 4B; Mucopolysaccharidosis type IVB (Morquio). Identifiers: Orphanet 309310, Orphanet 582, MedGen C0086652, MONDO:0009660, OMIM 253010.

Submission:

Labcorp Genetics (formerly Invitae), Labcorp
Classification: Pathogenic for Mucopolysaccharidosis, MPS-IV-B; GM1 gangliosidosis. Last evaluated: 2022-07-22. Review status: criteria provided, single submitter. Criteria: Invitae Variant Classification Sherloc (09022015). Collection method: clinical testing. Allele origin: germline.
Comment: For these reasons, this variant has been classified as Pathogenic. This variant has not been reported in the literature in individuals affected with GLB1-related conditions. This variant is not present in population databases (gnomAD no frequency). This sequence change creates a premature translational stop signal (p.Thr226Asnfs*3) in the GLB1 gene. It is expected to result in an absent or disrupted protein product. Loss-of-function variants in GLB1 are known to be pathogenic (PMID: 18524657).

Literature cited by the submitters: PubMed 18524657.

NM_000404.4(GLB1):c.677del (p.Thr226fs)

Gene: GLB1 (galactosidase beta 1; minus strand). Cytogenetic location: 3p22.3.
Variant type: Deletion.
Coding change: c.677del on transcript NM_000404.4 (MANE Select); coding-DNA position 677, one base deleted (C; older notation c.677delC).
Protein change: p.Thr226fs; shifts the reading frame from threonine 226.
Molecular consequence: frameshift variant. On other transcripts: intron variant (1).
Genome position (GRCh38, 1-based): chr3:33,058,145, G deleted on the plus strand (C on the coding strand, the reverse complement: GLB1 is on the minus strand). VCF-style (leftmost placement, unchanged base first): chr3-33058144-TG-T. GRCh37 (hg19) VCF-style: chr3-33099636-TG-T.
Other names: c.587del, p.Thr196fs (NM_001079811.3); c.821del, p.Thr274fs (NM_001317040.2); c.677del, p.Thr226fs (NM_001393580.1); c.341-4596del (NM_001135602.3); short protein forms T196fs, T226fs, T274fs.
Identifiers: ClinVar variation 2018917 (VCV002018917.4), dbSNP rs2471397756, ClinGen allele CA2580069244.